The following is an entry in ClinVar:

NM_000297.4(PKD2):c.2201G>T (p.Gly734Val)

Gene: PKD2 (polycystin 2, transient receptor potential cation channel; plus strand). Cytogenetic location: 4q22.1.
Variant type: single nucleotide variant.
Coding change: c.2201G>T on transcript NM_000297.4 (MANE Select); coding-DNA position 2201, G replaced by T.
Protein change: p.Gly734Val; replaces glycine 734 with valine.
Molecular consequence: missense variant. On other transcripts: non-coding transcript variant (1).
Genome position (GRCh38, 1-based): chr4:88,065,456, G>T. VCF-style: chr4-88065456-G-T. GRCh37 (hg19) VCF-style: chr4-88986608-G-T.
Other names: c.1976G>T, p.Gly659Val (NM_001440544.1); short protein forms G734V, G659V.
Identifiers: ClinVar variation 4996012 (VCV004996012.1).

ClinVar aggregate classification (germline): Uncertain significance (1 of 4 stars; one submission).

Conditions:
PKD2-related disorder. Also called: PKD2-related condition.

Submission:

PreventionGenetics, part of Exact Sciences
Classification: Uncertain significance for PKD2-related condition. Last evaluated: 2026-09-17. Review status: criteria provided, single submitter. Criteria: ACMG Guidelines, 2015. Collection method: clinical testing. Allele origin: germline.
Comment: The PKD2 c.2201G>T variant is predicted to result in the amino acid substitution p.Gly734Val. To our knowledge, this variant has not been reported in the literature or in a large population database (gnomAD), indicating this variant is rare. At this time, the clinical significance of this variant is uncertain due to the absence of conclusive functional and genetic evidence.